The following is an entry in ClinVar:

ClinVar aggregate classification (germline): Pathogenic. Review status: criteria provided, multiple submitters, no conflicts (2 of 4 stars). 2 submissions from 2 submitters: Pathogenic (2). Last evaluated 2025-09-10.

Conditions:
Tuberous sclerosis 2 (TSC2). Identifiers: Orphanet 805, MedGen C1860707, MONDO:0013199, OMIM 613254.

Submissions (2):

Genomic Medicine Center of Excellence, King Faisal Specialist Hospital and Research Centre
Classification: Pathogenic for Tuberous sclerosis 2. Last evaluated: 2025-09-10. Review status: criteria provided, single submitter. Criteria: ACMG Guidelines, 2015. Collection method: clinical testing. Allele origin: germline.

Labcorp Genetics (formerly Invitae), Labcorp
Classification: Pathogenic for Tuberous sclerosis 2. Last evaluated: 2025-01-15. Review status: criteria provided, single submitter. Criteria: Invitae Variant Classification Sherloc (09022015). Collection method: clinical testing. Allele origin: germline.
Comment: This sequence change affects a donor splice site in intron 34 of the TSC2 gene. It is expected to disrupt RNA splicing. Variants that disrupt the donor or acceptor splice site typically lead to a loss of protein function (PMID: 16199547), and loss-of-function variants in TSC2 are known to be pathogenic (PMID: 10205261, 17304050). This variant is not present in population databases (gnomAD no frequency). Disruption of this splice site has been observed in individual(s) with clinical features of tuberous sclerosis complex (PMID: 25782670). Algorithms developed to predict the effect of sequence changes on RNA splicing suggest that this variant may disrupt the consensus splice site. For these reasons, this variant has been classified as Pathogenic.

Literature cited by the submitters: PubMed 16199547 (cited by Labcorp Genetics (formerly Invitae), Labcorp); PubMed 10205261 (cited by Labcorp Genetics (formerly Invitae), Labcorp); PubMed 17304050 (cited by Labcorp Genetics (formerly Invitae), Labcorp); PubMed 25782670 (cited by Labcorp Genetics (formerly Invitae), Labcorp).

NM_000548.5(TSC2):c.4493+2T>C

Gene: TSC2 (TSC complex subunit 2; plus strand). Cytogenetic location: 16p13.3.
Variant type: single nucleotide variant.
Coding change: c.4493+2T>C on transcript NM_000548.5 (MANE Select); the canonical splice donor site of the intron after coding-DNA position 4493, T replaced by C.
Molecular consequence: splice donor variant.
Genome position (GRCh38, 1-based): chr16:2,084,717, T>C. VCF-style: chr16-2084717-T-C. GRCh37 (hg19) VCF-style: chr16-2134718-T-C.
Other names: c.2951+2T>C (NM_001406693.1, NM_001406692.1, NM_001406694.1); c.4385+2T>C (NM_001406667.1); c.4382+2T>C (NM_001406668.1); c.3893+2T>C (NM_001406680.1); c.3824+2T>C (NM_001406683.1, NM_001406682.1); c.3692+2T>C (NM_001406687.1, NM_001406688.1); c.3080+2T>C (NM_001406689.1); c.3020+2T>C (NM_001406690.1); and 26 more.
Identifiers: ClinVar variation 3656086 (VCV003656086.3).
Genomic context (GRCh38, chr16:2,084,717, plus strand): 5'-GCCTTAAAGAGCAGAGCCACAGCCTCCAATGCAGAGAAAGTGCCAGGCATCAACCCCAGG[T>C]GGGCCTCTTGCTTCCGGGCGGGGCTCCTGACACCTCTCCTGCGGGAACCTGGTGCCTCAC-3'